The following is an entry in ClinVar:

NM_016180.5(SLC45A2):c.147C>G (p.Tyr49Ter)

Gene: SLC45A2 (solute carrier family 45 member 2; minus strand). Cytogenetic location: 5p13.2.
Variant type: single nucleotide variant.
Coding change: c.147C>G on transcript NM_016180.5 (MANE Select); coding-DNA position 147, C replaced by G.
Protein change: p.Tyr49Ter; replaces tyrosine 49 with a stop codon.
Molecular consequence: nonsense.
Genome position (GRCh38, 1-based): chr5:33,984,437, G>C on the plus strand (C>G on the coding strand, the complement: SLC45A2 is on the minus strand). VCF-style: chr5-33984437-G-C. GRCh37 (hg19) VCF-style: chr5-33984542-G-C.
Other names: c.147C>G, p.Tyr49Ter (NM_001012509.4, NM_001297417.4); short protein forms Y49*.
Identifiers: ClinVar variation 3349438 (VCV003349438.1).

ClinVar aggregate classification (germline): Pathogenic (0 of 4 stars; one submission).

Conditions:
SLC45A2-related disorder. Also called: SLC45A2-related condition.

Submission:

PreventionGenetics, part of Exact Sciences
Classification: Pathogenic for SLC45A2-related condition. Last evaluated: 2024-03-22. Review status: no assertion criteria provided. Collection method: clinical testing. Allele origin: germline.
Comment: The SLC45A2 c.147C>G variant is predicted to result in premature protein termination (p.Tyr49*). This variant was reported in the compound heterozygous and homozygous state in multiple individuals with oculocutaneous albinism type 4 (Lasseaux et al. 2018. PubMed ID: 29345414; Moreno-Artero et al. 2022. PubMed ID: 36553465). This variant has not been reported in a large population database, indicating this variant is rare. This variant is interpreted as pathogenic.